The following is an entry in ClinVar:

ClinVar aggregate classification (germline): Conflicting classifications of pathogenicity. Review status: criteria provided, conflicting classifications (1 of 4 stars). 4 submissions from 4 submitters: Likely pathogenic (1); Uncertain significance (2). 1 of the submissions does not count toward it. Last evaluated 2023-09-12.

Conditions:
SLC12A3-related disorder. Also called: SLC12A3-related condition.
Familial hypokalemia-hypomagnesemia (GTLMNS). Also called: gitelman syndrome; HYPOMAGNESEMIA-HYPOKALEMIA, PRIMARY RENOTUBULAR, WITH HYPOCALCIURIA; POTASSIUM AND MAGNESIUM DEPLETION. Identifiers: Orphanet 358, MedGen C0268450, MONDO:0009904, OMIM 263800.

Allele frequency attached by ClinVar (database versions not stated): gnomAD exomes 0.00002 and below 0.00001; ExAC 0.00001; gnomAD 0.00001; TOPMed 0.00001.
gnomAD v4.1: 26 of 1,614,104 alleles (0.0016%); highest among the groups gnomAD compares: Non-Finnish European, 0.0022%; no homozygotes.

Submissions (4):

GeneDx
Classification: Uncertain significance. Last evaluated: 2023-09-12. Review status: criteria provided, single submitter. Criteria: GeneDx Variant Classification Process June 2021. Collection method: clinical testing. Allele origin: germline. Affected: yes.
Comment: Published functional studies suggest a damaging effect on plasma membrane localization (Glaudemans et al., 2012); Reported with a second variant in the SLC12A3 gene in a patient with clinical suspicion of Gitelman's syndrome; however, segregation information and additional clinical information were not provided (Glaudemans et al., 2012); In silico analysis supports that this missense variant does not alter protein structure/function, but splice predictors indicate that the variant may impact gene splicing; Not observed at significant frequency in large population cohorts (gnomAD); This variant is associated with the following publications: (PMID: 27872838, 22009145)

Blueprint Genetics
Classification: Likely pathogenic for SLC12A3-related disorders. Last evaluated: 2023-09-04. Review status: criteria provided, single submitter. Criteria: ACMG Guidelines, 2015. Collection method: clinical testing. Allele origin: germline. Affected: yes. Observed: 2 variant alleles.

Athena Diagnostics
Classification: Uncertain significance. Last evaluated: 2022-03-03. Review status: criteria provided, single submitter. Criteria: Athena Diagnostics Criteria. Collection method: clinical testing. Allele origin: unknown.

Natera, Inc.
Classification: Uncertain significance for Gitelman syndrome. Last evaluated: 2020-12-15. Review status: no assertion criteria provided. Collection method: clinical testing. Allele origin: germline. Not counted in ClinVar's aggregate classification.

Literature cited by the submitters: PubMed 22009145 (cited by Athena Diagnostics).

NM_001126108.2(SLC12A3):c.3062A>G (p.Gln1021Arg)

Genes: SLC12A3 (solute carrier family 12 member 3; plus strand), LOC126862361 (CDK7 strongly-dependent group 2 enhancer GRCh37_chr16:56946332-56947531; plus strand). Cytogenetic location: 16q13.
Variant type: single nucleotide variant.
Coding change: c.3062A>G on transcript NM_001126108.2 (MANE Select); coding-DNA position 3062, A replaced by G.
Protein change: p.Gln1021Arg; replaces glutamine 1021 with arginine.
Molecular consequence: missense variant.
Genome position (GRCh38, 1-based): chr16:56,913,401, A>G. VCF-style: chr16-56913401-A-G. GRCh37 (hg19) VCF-style: chr16-56947313-A-G.
Other names: c.3089A>G, p.Gln1030Arg (NM_000339.3); c.3086A>G, p.Gln1029Arg (NM_001126107.2); short protein forms Q1030R, Q1021R, Q1029R.
Identifiers: ClinVar variation 586606 (VCV000586606.6), dbSNP rs762026283, ClinGen allele CA8070197.